The following is an entry in ClinVar:

ClinVar aggregate classification (germline): Uncertain significance (1 of 4 stars; one submission).

Conditions:
Waardenburg syndrome type 2A (WS2A). Also called: WAARDENBURG SYNDROME WITHOUT DYSTOPIA CANTHORUM. Identifiers: Orphanet 3440, MedGen C1860339, MONDO:0008671, OMIM 193510.
Tietz syndrome (TADS). Also called: ALBINISM-DEAFNESS OF TIETZ; HYPOPIGMENTATION/DEAFNESS OF TIETZ; TIETZ ALBINISM-DEAFNESS SYNDROME. Identifiers: Orphanet 42665, MedGen C0391816, MONDO:0007077, OMIM 103500.
Melanoma, cutaneous malignant, susceptibility to, 8. Also called: MELANOMA AND RENAL CELL CARCINOMA, SUSCEPTIBILITY TO; Cutaneous malignant melanoma 8. Identifiers: Orphanet 293822, MedGen C3152204, MONDO:0013759, OMIM 614456.

Submission:

Labcorp Genetics (formerly Invitae), Labcorp
Classification: Uncertain significance for Melanoma, cutaneous malignant, susceptibility to, 8; Waardenburg syndrome type 2A; Tietz syndrome. Last evaluated: 2025-10-11. Review status: criteria provided, single submitter. Criteria: Invitae Variant Classification Sherloc (09022015). Collection method: clinical testing. Allele origin: germline.
Comment: This sequence change replaces proline, which is neutral and non-polar, with arginine, which is basic and polar, at codon 103 of the MITF protein (p.Pro103Arg). This variant is not present in population databases (gnomAD no frequency). This variant has not been reported in the literature in individuals affected with MITF-related conditions. ClinVar contains an entry for this variant (Variation ID: 3754852). An algorithm developed to predict the effect of missense changes on protein structure and function (PolyPhen-2) suggests that this variant is likely to be disruptive. In summary, the available evidence is currently insufficient to determine the role of this variant in disease. Therefore, it has been classified as a Variant of Uncertain Significance.

NM_001354604.2(MITF):c.629C>G (p.Pro210Arg)

Gene: MITF (melanocyte inducing transcription factor; plus strand). Cytogenetic location: 3p13.
Variant type: single nucleotide variant.
Coding change: c.629C>G on transcript NM_001354604.2 (MANE Select); coding-DNA position 629, C replaced by G.
Protein change: p.Pro210Arg; replaces proline 210 with arginine.
Molecular consequence: missense variant.
Genome position (GRCh38, 1-based): chr3:69,939,144, C>G. VCF-style: chr3-69939144-C-G. GRCh37 (hg19) VCF-style: chr3-69988295-C-G.
Other names: c.308C>G, p.Pro103Arg (NM_000248.4, NM_198158.3); c.473C>G, p.Pro158Arg (NM_001184967.2, NM_001354608.2); c.626C>G, p.Pro209Arg (NM_001354605.2, NM_001354606.2, NM_006722.3); c.578C>G, p.Pro193Arg (NM_001354607.2); c.629C>G, p.Pro210Arg (NM_198159.3); c.581C>G, p.Pro194Arg (NM_198177.3); c.140C>G, p.Pro47Arg (NM_198178.3); short protein forms P103R, P158R, P193R, P194R, P209R, P210R, P47R.
Identifiers: ClinVar variation 3754852 (VCV003754852.2).
Genomic context (GRCh38, chr3:69,939,144, plus strand): 5'-TTGTGTTTTTGCAGGGATTTTATAAGTTTGAAGAGCAAAACAGGGCAGAGAGCGAGTGCC[C>G]AGGCATGAACACACATTCACGAGCGTCCTGTATGCAGGTACTGAATGACTTGGCAGCCTG-3'
Protein context (NP_001341533.1, residues 200-220): EEQNRAESEC[Pro210Arg]GMNTHSRASC